The following is an entry in ClinVar:

NM_016373.4(WWOX):c.1035del (p.Arg346fs)

Gene: WWOX (WW domain containing oxidoreductase; plus strand). Cytogenetic location: 16q23.1.
Variant type: Deletion.
Coding change: c.1035del on transcript NM_016373.4 (MANE Select); coding-DNA position 1035, one base deleted (G; older notation c.1035delG).
Protein change: p.Arg346fs; shifts the reading frame from arginine 346.
Molecular consequence: frameshift variant.
Genome position (GRCh38, 1-based): chr16:78,432,731, G deleted. VCF-style (leftmost placement, unchanged base first): chr16-78432730-CG-C. GRCh37 (hg19) VCF-style: chr16-78466627-CG-C.
Other names: c.696del, p.Arg233fs (NM_001291997.2); short protein forms R346fs, R233fs.
Identifiers: ClinVar variation 2025591 (VCV002025591.4), dbSNP rs2507632091, ClinGen allele CA2580092137.

ClinVar aggregate classification (germline): Pathogenic (1 of 4 stars; one submission).

Conditions:
Developmental and epileptic encephalopathy, 1 (DEE1). Also called: Epileptic encephalopathy, early infantile, 1; X-linked infantile spasms; West's syndrome; Tonic spasms with clustering, arrest of psychomotor development and hypsarrhythmia on EEG; X-Linked Infantile Spasm Syndrome; OHTAHARA SYNDROME, X-LINKED. Identifiers: MedGen C3463992, MONDO:0010632, OMIM 308350. Disease mechanism: loss of function.
Autosomal recessive spinocerebellar ataxia 12. Also called: SPINOCEREBELLAR ATAXIA WITH MENTAL RETARDATION AND EPILEPSY. Identifiers: Orphanet 284282, MedGen C3280452, MONDO:0013687, OMIM 614322.

Submission:

Labcorp Genetics (formerly Invitae), Labcorp
Classification: Pathogenic for Developmental and epileptic encephalopathy, 1; Autosomal recessive spinocerebellar ataxia 12. Last evaluated: 2021-12-02. Review status: criteria provided, single submitter. Criteria: Invitae Variant Classification Sherloc (09022015). Collection method: clinical testing. Allele origin: germline.
Comment: This variant disrupts a region of the WWOX protein in which other variant(s) (p.Gly372*) have been determined to be pathogenic (PMID: 31780880; Invitae). This suggests that this is a clinically significant region of the protein, and that variants that disrupt it are likely to be disease-causing. For these reasons, this variant has been classified as Pathogenic. This variant has not been reported in the literature in individuals affected with WWOX-related conditions. This variant is not present in population databases (gnomAD no frequency). This sequence change creates a premature translational stop signal (p.Arg346Glyfs*59) in the WWOX gene. While this is not anticipated to result in nonsense mediated decay, it is expected to disrupt the last 69 amino acid(s) of the WWOX protein.

Literature cited by the submitters: PubMed 31780880.